The following is an entry in ClinVar:

NM_000053.4(ATP7B):c.1707+1G>A

Gene: ATP7B (ATPase copper transporting beta; minus strand). Cytogenetic location: 13q14.3.
Variant type: single nucleotide variant.
Coding change: c.1707+1G>A on transcript NM_000053.4 (MANE Select); the canonical splice donor site of the intron after coding-DNA position 1707, G replaced by A.
Molecular consequence: splice donor variant. On other transcripts: intron variant (1).
Genome position (GRCh38, 1-based): chr13:51,968,443, C>T on the plus strand (G>A on the coding strand, the complement: ATP7B is on the minus strand). VCF-style: chr13-51968443-C-T. GRCh37 (hg19) VCF-style: chr13-52542579-C-T.
Other names: c.1707+1G>A (NM_000053.3, NM_001406521.1, NM_001406513.1 and 27 more transcripts); c.1611+1G>A (NM_001406543.1, NM_001406518.1, NM_001406544.1 and 3 more transcripts); c.1374+1G>A (NM_001243182.2); c.1285+5492G>A (NM_001406548.1); c.1674+1G>A (NM_001406524.1, NM_001406514.1); c.1278+1G>A (NM_001406539.1).
Identifiers: ClinVar variation 1485033 (VCV001485033.13), dbSNP rs377001615, ClinGen allele CA250064849.

ClinVar aggregate classification (germline): Pathogenic/Likely pathogenic. Review status: criteria provided, multiple submitters, no conflicts (2 of 4 stars). 6 submissions from 6 submitters: Pathogenic (2); Likely pathogenic (4). Last evaluated 2026-01-22.

Conditions:
Wilson disease (WND). Also called: Wilson's disease. Identifiers: Orphanet 905, MedGen C0019202, MONDO:0010200, OMIM 277900. Disease mechanism: loss of function.

Allele frequency attached by ClinVar (database versions not stated): TOPMed below 0.00001; ESP Exome Variant Server 0.00008.

Submissions (6):

Natera, Inc.
Classification: Pathogenic for Wilson disease. Last evaluated: 2026-01-22. Review status: criteria provided, single submitter. Criteria: Natera Variant Classification Schema (03/2026). Collection method: clinical testing. Allele origin: germline.
Comment: The c.1707+1G>A variant in ATP7B is a canonical splice donor site variant predicted to affect pre-mRNA splicing, which may result in an abnormal transcript and altered protein product. This variant is expected to result in nonsense mediated decay, truncation, or a dysfunctional protein product. This variant is rare in the general population with a frequency below the threshold expected for the associated phenotype(s). This variant has been observed in one or more individuals affected with the associated recessive disease, as either homozygous or compound heterozygous with a second variant (PMID: 35782615). Given the available evidence, this variant is classified as Pathogenic.

GeneDx
Classification: Pathogenic. Last evaluated: 2024-08-29. Review status: criteria provided, single submitter. Criteria: GeneDx Variant Classification Process June 2021. Collection method: clinical testing. Allele origin: germline. Affected: yes.
Comment: Canonical splice site variant predicted to result in a null allele in a gene for which loss of function is a known mechanism of disease; Not observed at significant frequency in large population cohorts (gnomAD); This variant is associated with the following publications: (PMID: 35782615)

Fulgent Genetics
Classification: Likely pathogenic for Wilson disease. Last evaluated: 2024-06-22. Review status: criteria provided, single submitter. Criteria: ACMG Guidelines, 2015. Collection method: clinical testing. Allele origin: germline.

All of Us Research Program, National Institutes of Health
Classification: Likely pathogenic for Wilson disease. Last evaluated: 2024-02-05. Review status: criteria provided, single submitter. Criteria: ACMG Guidelines, 2015. Collection method: clinical testing. Allele origin: germline. Inheritance: Autosomal recessive inheritance. Observed: 2 variant alleles, 2 heterozygotes.
Comment: This variant causes a G to A nucleotide substitution at the +1 position of intron 4 of the ATP7B gene. Splice site prediction tools predict that this variant may have a significant impact on RNA splicing. Although this prediction has not been confirmed in published RNA studies, this variant is expected to result in an absent or disrupted protein product. This variant has been reported in the homozygous state in one individual affected with Wilson disease (PMID: 35782615). This variant has not been identified in the general population by the Genome Aggregation Database (gnomAD). Loss of ATP7B function is a known mechanism of disease. Based on the available evidence, this variant is classified as Likely Pathogenic.

This study involves interpretation of variants in research participants for the purpose of population health screening. Participant phenotype was not available at the time of variant classification. Additional details can be found in publication PMID: 35346344, PMCID: PMC8962531

Baylor Genetics
Classification: Likely pathogenic for Wilson disease. Last evaluated: 2023-12-14. Review status: criteria provided, single submitter. Criteria: ACMG Guidelines, 2015. Collection method: clinical testing. Allele origin: unknown.

Labcorp Genetics (formerly Invitae), Labcorp
Classification: Likely pathogenic for Wilson disease. Last evaluated: 2021-12-24. Review status: criteria provided, single submitter. Criteria: Invitae Variant Classification Sherloc (09022015). Collection method: clinical testing. Allele origin: germline.
Comment: This variant has not been reported in the literature in individuals affected with ATP7B-related conditions. This sequence change affects a donor splice site in intron 4 of the ATP7B gene. It is expected to disrupt RNA splicing. Variants that disrupt the donor or acceptor splice site typically lead to a loss of protein function (PMID: 16199547), and loss-of-function variants in ATP7B are known to be pathogenic (PMID: 10441329, 16283883). This variant is not present in population databases (gnomAD no frequency). Algorithms developed to predict the effect of sequence changes on RNA splicing suggest that this variant may disrupt the consensus splice site. In summary, the currently available evidence indicates that the variant is pathogenic, but additional data are needed to prove that conclusively. Therefore, this variant has been classified as Likely Pathogenic.

Literature cited by the submitters: PubMed 35782615 (cited by Natera, Inc. and All of Us Research Program, National Institutes of Health); PubMed 16199547 (cited by Labcorp Genetics (formerly Invitae), Labcorp); PubMed 10441329 (cited by Labcorp Genetics (formerly Invitae), Labcorp); PubMed 16283883 (cited by Labcorp Genetics (formerly Invitae), Labcorp).